The following is an entry in ClinVar:

NM_004304.5(ALK):c.361C>G (p.Arg121Gly)

Gene: ALK (ALK receptor tyrosine kinase; minus strand). Cytogenetic location: 2p23.1.
Variant type: single nucleotide variant.
Coding change: c.361C>G on transcript NM_004304.5 (MANE Select); coding-DNA position 361, C replaced by G.
Protein change: p.Arg121Gly; replaces arginine 121 with glycine.
Molecular consequence: missense variant.
Genome position (GRCh38, 1-based): chr2:29,920,299, G>C on the plus strand (C>G on the coding strand, the complement: ALK is on the minus strand). VCF-style: chr2-29920299-G-C. GRCh37 (hg19) VCF-style: chr2-30143165-G-C.
Other names: c.361C>G (NM_004304.4); short protein forms R121G.
Identifiers: ClinVar variation 2778034 (VCV002778034.4), dbSNP rs746089013, ClinGen allele CA346590190.
Genomic context (GRCh38, chr2:29,920,299, plus strand): 5'-ACTGCTTGGCACGCCGGAGCTTGCGCACGGAGCCGCCCTTCAGCACCCTGGACAGCGTCC[G>C]GGCCTCTGCCGGGGCTGGTGAACCGGCGGTCCAGGAGACCCCCGGCGCCGGCCCCAGCAA-3'
Protein context (NP_004295.2, residues 111-131): TAGSPAPAEA[Arg121Gly]TLSRVLKGGS

ClinVar aggregate classification (germline): Uncertain significance. Review status: criteria provided, multiple submitters, no conflicts (2 of 4 stars). 2 submissions from 2 submitters: Uncertain significance (2). Last evaluated 2025-04-29.

Conditions:
Hereditary cancer-predisposing syndrome. Also called: Hereditary Cancer Syndrome; Hereditary neoplastic syndrome; Tumor predisposition; Neoplastic Syndromes, Hereditary. Identifiers: Orphanet 140162, MedGen C0027672, MeSH D009386, MONDO:0015356.
Neuroblastoma, susceptibility to, 3. Also called: ALK-Related Neuroblastic Tumor Susceptibility. Identifiers: Orphanet 635, MedGen C2751681, MONDO:0013083, OMIM 613014.

Submissions (2):

Ambry Genetics
Classification: Uncertain significance for Hereditary cancer-predisposing syndrome. Last evaluated: 2025-04-29. Review status: criteria provided, single submitter. Criteria: Ambry Variant Classification Scheme 2023. Collection method: clinical testing. Allele origin: germline.
Comment: The p.R121G variant (also known as c.361C>G), located in coding exon 1 of the ALK gene, results from a C to G substitution at nucleotide position 361. The arginine at codon 121 is replaced by glycine, an amino acid with dissimilar properties. This amino acid position is conserved. In addition, this alteration is predicted to be tolerated by in silico analysis. Based on the available evidence, the clinical significance of this variant remains unclear.

Labcorp Genetics (formerly Invitae), Labcorp
Classification: Uncertain significance for Neuroblastoma, susceptibility to, 3. Last evaluated: 2022-11-25. Review status: criteria provided, single submitter. Criteria: Invitae Variant Classification Sherloc (09022015). Collection method: clinical testing. Allele origin: germline.
Comment: In summary, the available evidence is currently insufficient to determine the role of this variant in disease. Therefore, it has been classified as a Variant of Uncertain Significance. Algorithms developed to predict the effect of missense changes on protein structure and function (SIFT, PolyPhen-2, Align-GVGD) all suggest that this variant is likely to be tolerated. This variant has not been reported in the literature in individuals affected with ALK-related conditions. This variant is not present in population databases (gnomAD no frequency). This sequence change replaces arginine, which is basic and polar, with glycine, which is neutral and non-polar, at codon 121 of the ALK protein (p.Arg121Gly).